The following is an entry in ClinVar:

NM_003482.4(KMT2D):c.2270A>T (p.Glu757Val)

Gene: KMT2D (lysine methyltransferase 2D; minus strand). Cytogenetic location: 12q13.12.
Variant type: single nucleotide variant.
Coding change: c.2270A>T on transcript NM_003482.4 (MANE Select); coding-DNA position 2270, A replaced by T.
Protein change: p.Glu757Val; replaces glutamic acid 757 with valine.
Molecular consequence: missense variant.
Genome position (GRCh38, 1-based): chr12:49,051,413, T>A on the plus strand (A>T on the coding strand, the complement: KMT2D is on the minus strand). VCF-style: chr12-49051413-T-A. GRCh37 (hg19) VCF-style: chr12-49445196-T-A.
Other names: short protein forms E757V.
Identifiers: ClinVar variation 4996968 (VCV004996968.1).

ClinVar aggregate classification (germline): Uncertain significance (1 of 4 stars; one submission).

Conditions:
KMT2D-related disorder. Also called: KMT2D-Related Disorders.

Submission:

PreventionGenetics, part of Exact Sciences
Classification: Uncertain significance for KMT2D-related condition. Last evaluated: 2024-12-11. Review status: criteria provided, single submitter. Criteria: ACMG Guidelines, 2015. Collection method: clinical testing. Allele origin: germline.
Comment: The KMT2D c.2270A>T variant is predicted to result in the amino acid substitution p.Glu757Val. To our knowledge, this variant has not been reported in the literature or in a large population database (gnomAD), indicating this variant is rare. At this time, the clinical significance of this variant is uncertain due to the absence of conclusive functional and genetic evidence.